The following is an entry in ClinVar:

NM_001079866.2(BCS1L):c.642G>A (p.Trp214Ter)

Gene: BCS1L (BCS1 ubiquinol-cytochrome c reductase complex chaperone; plus strand). Cytogenetic location: 2q35.
Variant type: single nucleotide variant.
Coding change: c.642G>A on transcript NM_001079866.2 (MANE Select); coding-DNA position 642, G replaced by A.
Protein change: p.Trp214Ter; replaces tryptophan 214 with a stop codon.
Molecular consequence: nonsense. On other transcripts: non-coding transcript variant (1).
Genome position (GRCh38, 1-based): chr2:218,661,940, G>A. VCF-style: chr2-218661940-G-A. GRCh37 (hg19) VCF-style: chr2-219526663-G-A.
Other names: c.642G>A, p.Trp214Ter (NM_001257342.2, NM_001257343.2, NM_001257344.2 and 10 more transcripts); c.282G>A, p.Trp94Ter (NM_001318836.2, NM_001371451.1); c.141G>A, p.Trp47Ter (NM_001371452.1, NM_001371453.1, NM_001371454.1 and 3 more transcripts); short protein forms W47*, W94*, W214*.
Identifiers: ClinVar variation 1032892 (VCV001032892.13), dbSNP rs754414954, ClinGen allele CA65809086.

ClinVar aggregate classification (germline): Pathogenic/Likely pathogenic. Review status: criteria provided, multiple submitters, no conflicts (2 of 4 stars). 5 submissions from 5 submitters: Pathogenic (2); Likely pathogenic (3). Last evaluated 2025-05-02.

Conditions:
GRACILE syndrome (FLNMS). Also called: FELLMAN SYNDROME; FINNISH LETHAL NEONATAL METABOLIC SYNDROME. Identifiers: Orphanet 53693, MedGen C1864002, MONDO:0011308, OMIM 603358.
Pili torti-deafness syndrome (BJS). Also called: PILI TORTI AND NERVE DEAFNESS; Bjornstad syndrome. Identifiers: Orphanet 123, MedGen C0266006, MONDO:0009872, OMIM 262000.

Allele frequency attached by ClinVar (database versions not stated): gnomAD exomes below 0.00001; TOPMed below 0.00001.
gnomAD v4.1: 4 of 1,613,940 alleles (0.00025%); highest among the groups gnomAD compares: African/African-American, 0.004%; no homozygotes.

Submissions (6):

Revvity Omics, Revvity
Classification: Likely pathogenic. Last evaluated: 2025-05-02. Review status: criteria provided, single submitter. Criteria: ACMG Guidelines, 2015. Collection method: clinical testing. Allele origin: germline.

Women's Health and Genetics/Laboratory Corporation of America, LabCorp
Classification: Pathogenic for GRACILE syndrome. Last evaluated: 2025-03-10. Review status: criteria provided, single submitter. Criteria: LabCorp Variant Classification Summary - May 2015. Collection method: clinical testing. Allele origin: germline.
Comment: Variant summary: BCS1L c.642G>A (p.Trp214X) results in a premature termination codon, predicted to cause a truncation of the encoded protein or absence of the protein due to nonsense mediated decay, which are commonly known mechanisms for disease. The variant was absent in 250780 control chromosomes. To our knowledge, no occurrence of c.642G>A in individuals affected with GRACILE Syndrome and no experimental evidence demonstrating its impact on protein function have been reported. ClinVar contains an entry for this variant (Variation ID: 1032892). Based on the evidence outlined above, the variant was classified as pathogenic.

GeneDx
Classification: Likely pathogenic. Last evaluated: 2024-09-18. Review status: criteria provided, single submitter. Criteria: GeneDx Variant Classification Process June 2021. Collection method: clinical testing. Allele origin: germline.
Comment: Nonsense variant predicted to result in protein truncation or nonsense mediated decay in a gene for which loss of function is a known mechanism of disease; Not observed at significant frequency in large population cohorts (gnomAD); Has not been previously published as pathogenic or benign to our knowledge

Baylor Genetics
Classification: Likely pathogenic for Pili torti-deafness syndrome. Last evaluated: 2024-03-29. Review status: criteria provided, single submitter. Criteria: ACMG Guidelines, 2015. Collection method: clinical testing. Allele origin: unknown.

Labcorp Genetics (formerly Invitae), Labcorp
Classification: Pathogenic. Last evaluated: 2023-03-26. Review status: criteria provided, single submitter. Criteria: Invitae Variant Classification Sherloc (09022015). Collection method: clinical testing. Allele origin: germline.
Comment: This variant has not been reported in the literature in individuals affected with BCS1L-related conditions. This sequence change creates a premature translational stop signal (p.Trp214*) in the BCS1L gene. It is expected to result in an absent or disrupted protein product. Loss-of-function variants in BCS1L are known to be pathogenic (PMID: 12215968, 17314340, 19162478, 19508421, 22277166, 25895478). This variant is present in population databases (no rsID available, gnomAD 0.01%). ClinVar contains an entry for this variant (Variation ID: 1032892). For these reasons, this variant has been classified as Pathogenic.

Dr. Peter K. Rogan Lab, Western University
No classification provided (evidence only). Condition: Clear cell carcinoma of kidney. Review status: no classification provided. Collection method: in vitro. Allele origin: not applicable. Functional consequence: retained intron. Not counted in ClinVar's aggregate classification.

Literature cited by the submitters: PubMed 12215968 (cited by Labcorp Genetics (formerly Invitae), Labcorp); PubMed 17314340 (cited by Labcorp Genetics (formerly Invitae), Labcorp); PubMed 19162478 (cited by Labcorp Genetics (formerly Invitae), Labcorp); PubMed 19508421 (cited by Labcorp Genetics (formerly Invitae), Labcorp); PubMed 22277166 (cited by Labcorp Genetics (formerly Invitae), Labcorp); PubMed 25895478 (cited by Labcorp Genetics (formerly Invitae), Labcorp).